The following is an entry in ClinVar:

ClinVar aggregate classification (germline): Benign/Likely benign. Review status: criteria provided, multiple submitters, no conflicts (2 of 4 stars). 6 submissions from 6 submitters: Benign (2); Likely benign (4). Last evaluated 2026-09-01.

Conditions:
Glycogen storage disease due to muscle and heart glycogen synthase deficiency. Also called: GSD 0b; MUSCLE GLYCOGEN SYNTHASE DEFICIENCY. Identifiers: Orphanet 137625, MedGen C1969054, MONDO:0012693, OMIM 611556.

Allele frequency attached by ClinVar (database versions not stated): gnomAD exomes 0.00120 and 0.00241; ExAC 0.00211; 1000 Genomes Project 0.00260; gnomAD 0.00299 and 0.00314; 1000 Genomes Project 30x 0.00312; TOPMed 0.00321; ESP Exome Variant Server 0.00377.
gnomAD v4.1: 2,367 of 1,614,146 alleles (0.15%); highest among the groups gnomAD compares: African/African-American, 0.58%; 24 homozygotes.

Submissions (9):

CeGaT Center for Human Genetics Tuebingen
Classification: Likely benign. Last evaluated: 2026-09-01. Review status: criteria provided, single submitter. Criteria: CeGaT Center For Human Genetics Tuebingen Variant Classification Criteria Version 2. Collection method: clinical testing. Allele origin: germline. Affected: yes. Observed: 1 variant allele.
Comment: GYS1: BP7

Labcorp Genetics (formerly Invitae), Labcorp
Classification: Benign for Glycogen storage disease due to muscle and heart glycogen synthase deficiency. Last evaluated: 2026-01-23. Review status: criteria provided, single submitter. Criteria: Invitae Variant Classification Sherloc (09022015). Collection method: clinical testing. Allele origin: germline.

ARUP Laboratories, Molecular Genetics and Genomics, ARUP Laboratories
Classification: Likely benign for Glycogen storage disease due to muscle and heart glycogen synthase deficiency. Last evaluated: 2022-12-19. Review status: criteria provided, single submitter. Criteria: ARUP Molecular Germline Variant Investigation Process 2024. Collection method: clinical testing. Allele origin: germline.

GeneDx
Classification: Benign. Last evaluated: 2018-06-08. Review status: criteria provided, single submitter. Criteria: GeneDx Variant Classification Process June 2021. Collection method: clinical testing. Allele origin: germline. Affected: yes.

Illumina Laboratory Services, Illumina
Classification: Likely benign for Glycogen storage disease due to muscle and heart glycogen synthase deficiency. Last evaluated: 2018-01-12. Review status: criteria provided, single submitter. Criteria: ICSL Variant Classification Criteria 13 December 2019. Collection method: clinical testing. Allele origin: germline.
Comment: This variant was observed in the ICSL laboratory as part of a predisposition screen in an ostensibly healthy population. It had not been previously curated by ICSL or reported in the Human Gene Mutation Database (HGMD: prior to June 1st, 2018), and was therefore a candidate for classification through an automated scoring system. Utilizing variant allele frequency, disease prevalence and penetrance estimates, and inheritance mode, an automated score was calculated to assess if this variant is too frequent to cause the disease. Based on the score and internal cut-off values, a variant classified as likely benign is not then subjected to further curation. The score for this variant resulted in a classification of likely benign for this disease.

Breakthrough Genomics
Classification: Likely benign. Review status: criteria provided, single submitter. Criteria: ACMG Guidelines, 2015. Collection method: not provided. Allele origin: germline. Inheritance: Autosomal recessive inheritance. Affected: yes.

Dr. Peter K. Rogan Lab, Western University
No classification provided (evidence only). Condition: Clear cell carcinoma of kidney. Review status: no classification provided. Collection method: in vitro. Allele origin: not applicable. Functional consequence: retained intron. Not counted in ClinVar's aggregate classification.

Dr. Peter K. Rogan Lab, Western University
No classification provided (evidence only). Condition: Adrenocortical carcinoma, hereditary. Review status: no classification provided. Collection method: in vitro. Allele origin: not applicable. Functional consequence: retained intron. Not counted in ClinVar's aggregate classification.

Dr. Peter K. Rogan Lab, Western University
No classification provided (evidence only). Condition: Uterine carcinosarcoma. Review status: no classification provided. Collection method: in vitro. Allele origin: not applicable. Functional consequence: retained intron. Not counted in ClinVar's aggregate classification.

NM_002103.5(GYS1):c.555C>T (p.Gly185=)

Gene: GYS1 (glycogen synthase 1; minus strand). Cytogenetic location: 19q13.33.
Variant type: single nucleotide variant.
Coding change: c.555C>T on transcript NM_002103.5 (MANE Select); coding-DNA position 555, C replaced by T.
Protein change: p.Gly185=; no amino-acid change (glycine 185 retained).
Molecular consequence: synonymous variant. On other transcripts: non-coding transcript variant (1).
Genome position (GRCh38, 1-based): chr19:48,985,973, G>A on the plus strand (C>T on the coding strand, the complement: GYS1 is on the minus strand). VCF-style: chr19-48985973-G-A. GRCh37 (hg19) VCF-style: chr19-49489230-G-A.
Other names: c.363C>T, p.Gly121= (NM_001161587.2).
Identifiers: ClinVar variation 382413 (VCV000382413.19), dbSNP rs2229612, ClinGen allele CA9563305.
Genomic context (GRCh38, chr19:48,985,973, plus strand): 5'-ATGGGTGGTGAAGATGGTTGCTACAGGCAGTCGCCGGGCACGACACAGGCAGAGTCCAAC[G>A]CCTGCCAACCACTCATGGAAGTGAGCAACCACATGTGGCTTCTCCTCACTCTGTGCCAGG-3'
Protein context (NP_002094.2, residues 175-195): VVAHFHEWLA[Gly185=]VGLCLCRARR